The following is an entry in ClinVar:

ClinVar aggregate classification (germline): Likely benign (1 of 4 stars; one submission).

gnomAD v4.1: 170 of 1,535,158 alleles (0.011%); highest among the groups gnomAD compares: Non-Finnish European, 0.014%; no homozygotes.

Submission:

CeGaT Center for Human Genetics Tuebingen
Classification: Likely benign. Last evaluated: 2025-11-01. Review status: criteria provided, single submitter. Criteria: CeGaT Center For Human Genetics Tuebingen Variant Classification Criteria Version 2. Collection method: clinical testing. Allele origin: germline. Affected: yes. Observed: 2 variant alleles.
Comment: GALC: BP4, BP7

NM_001424076.1(GALC):c.-569T>A

Gene: GALC (galactosylceramidase; minus strand). Cytogenetic location: 14q31.3.
Variant type: single nucleotide variant.
Coding change: c.-569T>A on transcript NM_001424076.1; 569 bases upstream of the start codon, T replaced by A.
Molecular consequence: 5 prime UTR variant. On other transcripts: synonymous variant (1).
Genome position (GRCh38, 1-based): chr14:87,993,479, A>T on the plus strand (T>A on the coding strand, the complement: GALC is on the minus strand). VCF-style: chr14-87993479-A-T. GRCh37 (hg19) VCF-style: chr14-88459823-A-T.
Other names: c.21T>A, p.Gly7= (NM_001201402.2).
Identifiers: ClinVar variation 3898157 (VCV003898157.7).